The following is an entry in ClinVar:

ClinVar aggregate classification (germline): Uncertain significance (1 of 4 stars; one submission).

Conditions:
Immunodeficiency 14 (IMD14A). Also called: p110-DELTA-ACTIVATING MUTATION CAUSING SENESCENT T CELLS, LYMPHADENOPATHY, AND IMMUNODEFICIENCY; IMMUNODEFICIENCY 14A WITH LYMPHOPROLIFERATION, AUTOSOMAL DOMINANT; ACTIVATED PI3K-DELTA SYNDROME 1; Activated PI3K Delta Syndrome Type 1 (APDS1). Identifiers: Orphanet 397596, Orphanet 693661, MedGen C5907821, MONDO:0014222, OMIM 615513.

gnomAD v4.1: 20 of 1,613,668 alleles (0.0012%); highest among the groups gnomAD compares: Non-Finnish European, 0.0016%; no homozygotes.

Submission:

Labcorp Genetics (formerly Invitae), Labcorp
Classification: Uncertain significance for Activated PI3K-delta syndrome. Last evaluated: 2023-08-05. Review status: criteria provided, single submitter. Criteria: Invitae Variant Classification Sherloc (09022015). Collection method: clinical testing. Allele origin: germline.
Comment: In summary, the available evidence is currently insufficient to determine the role of this variant in disease. Therefore, it has been classified as a Variant of Uncertain Significance. Algorithms developed to predict the effect of sequence changes on RNA splicing suggest that this variant may create or strengthen a splice site. This variant has not been reported in the literature in individuals affected with PIK3CD-related conditions. The frequency data for this variant in the population databases is considered unreliable, as metrics indicate poor data quality at this position in the gnomAD database. This sequence change falls in intron 23 of the PIK3CD gene. It does not directly change the encoded amino acid sequence of the PIK3CD protein.

NM_005026.5(PIK3CD):c.2998-19C>A

Gene: PIK3CD (phosphatidylinositol-4,5-bisphosphate 3-kinase catalytic subunit delta; plus strand). Cytogenetic location: 1p36.22.
Variant type: single nucleotide variant.
Coding change: c.2998-19C>A on transcript NM_005026.5 (MANE Select); 19 bases into the intron before coding-DNA position 2998, C replaced by A.
Molecular consequence: intron variant.
Genome position (GRCh38, 1-based): chr1:9,726,890, C>A. VCF-style: chr1-9726890-C-A. GRCh37 (hg19) VCF-style: chr1-9786948-C-A.
Other names: c.2995-19C>A (NM_001350234.2); c.2911-19C>A (NM_001350235.1).
Identifiers: ClinVar variation 2806436 (VCV002806436.3), dbSNP rs766219239, ClinGen allele CA577711.